The following is an entry in ClinVar:

ClinVar aggregate classification (germline): Benign. Review status: criteria provided, multiple submitters, no conflicts (2 of 4 stars). 3 submissions from 3 submitters: Benign (3). Last evaluated 2018-06-18.

Allele frequency attached by ClinVar (database versions not stated): gnomAD 0.02659 and 0.02844; 1000 Genomes Project 30x 0.02826; 1000 Genomes Project 0.02796; TOPMed 0.02938.
gnomAD v4.1: 5,813 of 734,110 alleles (0.79%); highest among the groups gnomAD compares: African/African-American, 9%; 263 homozygotes.

Submissions (3):

GeneDx
Classification: Benign. Last evaluated: 2018-06-18. Review status: criteria provided, single submitter. Criteria: GeneDx Variant Classification (06012015). Collection method: clinical testing. Allele origin: germline. Affected: yes.
Comment: This variant is considered likely benign or benign based on one or more of the following criteria: it is a conservative change, it occurs at a poorly conserved position in the protein, it is predicted to be benign by multiple in silico algorithms, and/or has population frequency not consistent with disease.

Breakthrough Genomics
Classification: Benign. Review status: criteria provided, single submitter. Criteria: ACMG Guidelines, 2015. Collection method: not provided. Allele origin: germline. Inheritance: Autosomal recessive inheritance. Affected: yes.

PreventionGenetics, part of Exact Sciences
Classification: Benign. Review status: criteria provided, single submitter. Criteria: ACMG Guidelines, 2015. Collection method: clinical testing. Allele origin: germline.

NM_000051.4(ATM):c.3994-97G>A

Gene: ATM (ATM serine/threonine kinase; plus strand). Cytogenetic location: 11q22.3.
Variant type: single nucleotide variant.
Coding change: c.3994-97G>A on transcript NM_000051.4 (MANE Select); 97 bases into the intron before coding-DNA position 3994, G replaced by A.
Molecular consequence: intron variant.
Genome position (GRCh38, 1-based): chr11:108,287,503, G>A. VCF-style: chr11-108287503-G-A. GRCh37 (hg19) VCF-style: chr11-108158230-G-A.
Other names: c.3994-97G>A (NM_001351834.2).
Identifiers: ClinVar variation 254752 (VCV000254752.3), dbSNP rs4988000, ClinGen allele CA10587104.